The following is an entry in ClinVar:

NM_014339.7(IL17RA):c.1903A>G (p.Ile635Val)

Gene: IL17RA (interleukin 17 receptor A; plus strand). Cytogenetic location: 22q11.1.
Variant type: single nucleotide variant.
Coding change: c.1903A>G on transcript NM_014339.7 (MANE Select); coding-DNA position 1903, A replaced by G.
Protein change: p.Ile635Val; replaces isoleucine 635 with valine.
Molecular consequence: missense variant.
Genome position (GRCh38, 1-based): chr22:17,109,122, A>G. VCF-style: chr22-17109122-A-G. GRCh37 (hg19) VCF-style: chr22-17590012-A-G.
Other names: c.1801A>G, p.Ile601Val (NM_001289905.2); short protein forms I601V, I635V.
Identifiers: ClinVar variation 947509 (VCV000947509.9), dbSNP rs2061428011, ClinGen allele CA410219410.

ClinVar aggregate classification (germline): Uncertain significance (1 of 4 stars; one submission).

Conditions:
Immunodeficiency 51 (IMD51). Also called: CANDIDIASIS, FAMILIAL, 5. Identifiers: Orphanet 1334, MedGen C4310803, MONDO:0013500, OMIM 613953.

Allele frequency attached by ClinVar (database versions not stated): TOPMed below 0.00001; gnomAD 0.00001.
gnomAD v4.1: 3 of 1,549,900 alleles (0.00019%); no homozygotes.

Submission:

Labcorp Genetics (formerly Invitae), Labcorp
Classification: Uncertain significance for Immunodeficiency 51. Last evaluated: 2022-02-03. Review status: criteria provided, single submitter. Criteria: Invitae Variant Classification Sherloc (09022015). Collection method: clinical testing. Allele origin: germline.
Comment: In summary, the available evidence is currently insufficient to determine the role of this variant in disease. Therefore, it has been classified as a Variant of Uncertain Significance. Algorithms developed to predict the effect of missense changes on protein structure and function output the following: SIFT: "Tolerated"; PolyPhen-2: "Benign"; Align-GVGD: "Class C0". The valine amino acid residue is found in multiple mammalian species, which suggests that this missense change does not adversely affect protein function. This sequence change replaces isoleucine, which is neutral and non-polar, with valine, which is neutral and non-polar, at codon 635 of the IL17RA protein (p.Ile635Val). This variant is not present in population databases (gnomAD no frequency). This variant has not been reported in the literature in individuals affected with IL17RA-related conditions. ClinVar contains an entry for this variant (Variation ID: 947509).